The following is an entry in ClinVar:

ClinVar aggregate classification (germline): Uncertain significance (1 of 4 stars; one submission).

Submission:

Labcorp Genetics (formerly Invitae), Labcorp
Classification: Uncertain significance. Last evaluated: 2021-11-18. Review status: criteria provided, single submitter. Criteria: Invitae Variant Classification Sherloc (09022015). Collection method: clinical testing. Allele origin: germline.
Comment: This sequence change replaces glutamic acid, which is acidic and polar, with aspartic acid, which is acidic and polar, at codon 266 of the DNASE1L3 protein (p.Glu266Asp). This variant is not present in population databases (gnomAD no frequency). This variant has not been reported in the literature in individuals affected with DNASE1L3-related conditions. Algorithms developed to predict the effect of missense changes on protein structure and function output the following: SIFT: "Tolerated"; PolyPhen-2: "Benign"; Align-GVGD: "Class C0". The aspartic acid amino acid residue is found in multiple mammalian species, which suggests that this missense change does not adversely affect protein function. In summary, the available evidence is currently insufficient to determine the role of this variant in disease. Therefore, it has been classified as a Variant of Uncertain Significance.

NM_004944.4(DNASE1L3):c.798G>C (p.Glu266Asp)

Gene: DNASE1L3 (deoxyribonuclease 1L3; minus strand). Cytogenetic location: 3p14.3.
Variant type: single nucleotide variant.
Coding change: c.798G>C on transcript NM_004944.4 (MANE Select); coding-DNA position 798, G replaced by C.
Protein change: p.Glu266Asp; replaces glutamic acid 266 with aspartic acid.
Molecular consequence: missense variant.
Genome position (GRCh38, 1-based): chr3:58,193,346, C>G on the plus strand (G>C on the coding strand, the complement: DNASE1L3 is on the minus strand). VCF-style: chr3-58193346-C-G. GRCh37 (hg19) VCF-style: chr3-58179073-C-G.
Other names: c.708G>C, p.Glu236Asp (NM_001256560.2); short protein forms E236D, E266D.
Identifiers: ClinVar variation 1415760 (VCV001415760.3), dbSNP rs2107365783, ClinGen allele CA353337632.